The following is an entry in ClinVar:

NM_024675.4(PALB2):c.901G>C (p.Asp301His)

Gene: PALB2 (partner and localizer of BRCA2; minus strand). Cytogenetic location: 16p12.2.
Variant type: single nucleotide variant.
Coding change: c.901G>C on transcript NM_024675.4 (MANE Select); coding-DNA position 901, G replaced by C.
Protein change: p.Asp301His; replaces aspartic acid 301 with histidine.
Molecular consequence: missense variant.
Genome position (GRCh38, 1-based): chr16:23,635,645, C>G on the plus strand (G>C on the coding strand, the complement: PALB2 is on the minus strand). VCF-style: chr16-23635645-C-G. GRCh37 (hg19) VCF-style: chr16-23646966-C-G.
Other names: c.901G>C (NM_024675.3); short protein forms D301H.
Identifiers: ClinVar variation 1474357 (VCV001474357.10), dbSNP rs1967010825, ClinGen allele CA395135548.

ClinVar aggregate classification (germline): Uncertain significance. Review status: criteria provided, multiple submitters, no conflicts (2 of 4 stars). 2 submissions from 2 submitters: Uncertain significance (2). Last evaluated 2026-09-04.

Conditions:
Familial cancer of breast. Also called: Hereditary breast cancer; BREAST CANCER, FAMILIAL; hereditary breast carcinoma. Identifiers: Orphanet 227535, MedGen C0346153, MONDO:0016419, OMIM 114480. Disease mechanism: loss of function.
Hereditary cancer-predisposing syndrome. Also called: Hereditary Cancer Syndrome; Tumor predisposition; Neoplastic Syndromes, Hereditary; Hereditary neoplastic syndrome. Identifiers: Orphanet 140162, MedGen C0027672, MeSH D009386, MONDO:0015356.

Submissions (2):

Ambry Genetics
Classification: Uncertain significance for Hereditary cancer-predisposing syndrome. Last evaluated: 2026-09-04. Review status: criteria provided, single submitter. Criteria: Ambry Variant Classification Scheme 2023. Collection method: clinical testing. Allele origin: germline.
Comment: The p.D301H variant (also known as c.901G>C), located in coding exon 4 of the PALB2 gene, results from a G to C substitution at nucleotide position 901. The aspartic acid at codon 301 is replaced by histidine, an amino acid with similar properties. This amino acid position is conserved. In addition, this alteration is predicted to be tolerated by in silico analysis. Based on the available evidence, the clinical significance of this variant remains unclear.

Labcorp Genetics (formerly Invitae), Labcorp
Classification: Uncertain significance for Familial cancer of breast. Last evaluated: 2021-01-24. Review status: criteria provided, single submitter. Criteria: Invitae Variant Classification Sherloc (09022015). Collection method: clinical testing. Allele origin: germline.
Comment: This sequence change replaces aspartic acid with histidine at codon 301 of the PALB2 protein (p.Asp301His). The aspartic acid residue is moderately conserved and there is a moderate physicochemical difference between aspartic acid and histidine. This variant is not present in population databases (ExAC no frequency). This variant has not been reported in the literature in individuals with PALB2-related conditions. Algorithms developed to predict the effect of missense changes on protein structure and function are either unavailable or do not agree on the potential impact of this missense change (SIFT: "Tolerated"; PolyPhen-2: "Possibly Damaging"; Align-GVGD: "Class C0"). In summary, the available evidence is currently insufficient to determine the role of this variant in disease. Therefore, it has been classified as a Variant of Uncertain Significance.